The following is an entry in ClinVar:

NM_004370.6(COL12A1):c.9104G>A (p.Arg3035Gln)

Gene: COL12A1 (collagen type XII alpha 1 chain; minus strand). Cytogenetic location: 6q13.
Variant type: single nucleotide variant.
Coding change: c.9104G>A on transcript NM_004370.6 (MANE Select); coding-DNA position 9104, G replaced by A.
Protein change: p.Arg3035Gln; replaces arginine 3035 with glutamine.
Molecular consequence: missense variant.
Genome position (GRCh38, 1-based): chr6:75,087,654, C>T on the plus strand (G>A on the coding strand, the complement: COL12A1 is on the minus strand). VCF-style: chr6-75087654-C-T. GRCh37 (hg19) VCF-style: chr6-75797370-C-T.
Other names: c.5612G>A, p.Arg1871Gln (NM_080645.3); short protein forms R1871Q, R3035Q.
Identifiers: ClinVar variation 1204084 (VCV001204084.9), dbSNP rs749005420, ClinGen allele CA3892021.

ClinVar aggregate classification (germline): Conflicting classifications of pathogenicity. Review status: criteria provided, conflicting classifications (1 of 4 stars). 2 submissions from 2 submitters: Uncertain significance (1); Likely benign (1). Last evaluated 2026-01-12.

Conditions:
Ullrich congenital muscular dystrophy 2 (UCMD2). Identifiers: Orphanet 75840, MedGen C4225314, MONDO:0014654, OMIM 616470.
Bethlem myopathy 2 (BTHLM2). Identifiers: Orphanet 536516, Orphanet 610, MedGen C4225313, MONDO:0034022, OMIM 616471.

Allele frequency attached by ClinVar (database versions not stated): gnomAD exomes 0.00011; gnomAD 0.00002; TOPMed 0.00004; ExAC 0.00010.
gnomAD v4.1: 88 of 1,611,184 alleles (0.0055%); highest among the groups gnomAD compares: South Asian, 0.029%; no homozygotes.

Submissions (2):

Labcorp Genetics (formerly Invitae), Labcorp
Classification: Likely benign for Bethlem myopathy 2; Ullrich congenital muscular dystrophy 2. Last evaluated: 2026-01-12. Review status: criteria provided, single submitter. Criteria: Invitae Variant Classification Sherloc (09022015). Collection method: clinical testing. Allele origin: germline.

GeneDx
Classification: Uncertain significance. Last evaluated: 2020-12-18. Review status: criteria provided, single submitter. Criteria: GeneDx Variant Classification Process June 2021. Collection method: clinical testing. Allele origin: germline. Affected: yes.
Comment: Has not been previously published as pathogenic or benign to our knowledge; In silico analysis supports that this missense variant does not alter protein structure/function